The following is an entry in ClinVar:

ClinVar aggregate classification (germline): Benign/Likely benign. Review status: criteria provided, multiple submitters, no conflicts (2 of 4 stars). 3 submissions from 3 submitters: Benign (1); Likely benign (2). Last evaluated 2024-04-22.

Conditions:
Hereditary cancer-predisposing syndrome. Also called: Tumor predisposition; Hereditary Cancer Syndrome; Neoplastic Syndromes, Hereditary; Hereditary neoplastic syndrome. Identifiers: Orphanet 140162, MedGen C0027672, MeSH D009386, MONDO:0015356.
Familial cancer of breast. Also called: Hereditary breast cancer; hereditary breast carcinoma; BREAST CANCER, FAMILIAL. Identifiers: Orphanet 227535, MedGen C0346153, MONDO:0016419, OMIM 114480. Disease mechanism: loss of function.
Ataxia-telangiectasia syndrome (AT). Also called: Cerebello-oculocutaneous telangiectasia; Immunodeficiency with ataxia telangiectasia; Ataxia-telangiectasia, complementation group D; AT, COMPLEMENTATION GROUP C; Ataxia-telangiectasia, complementation group E; LOUIS-BAR SYNDROME. Identifiers: Orphanet 100, MedGen C0004135, MONDO:0008840, OMIM 208900.

Submissions (3):

Myriad Genetics, Inc.
Classification: Benign for Familial cancer of breast. Last evaluated: 2024-04-22. Review status: criteria provided, single submitter. Criteria: Myriad Autosomal Dominant, Autosomal Recessive and X-Linked Classification Criteria (2023). Collection method: clinical testing. Allele origin: unknown.
Comment: This variant is considered benign. This variant is a silent/synonymous amino acid change and it is not expected to impact splicing.

Ambry Genetics
Classification: Likely benign for Hereditary cancer-predisposing syndrome. Last evaluated: 2022-04-08. Review status: criteria provided, single submitter. Criteria: Ambry Variant Classification Scheme 2023. Collection method: clinical testing. Allele origin: germline.

Labcorp Genetics (formerly Invitae), Labcorp
Classification: Likely benign for Ataxia-telangiectasia syndrome. Last evaluated: 2017-05-10. Review status: criteria provided, single submitter. Criteria: Invitae Variant Classification Sherloc (09022015). Collection method: clinical testing. Allele origin: germline.

NM_000051.4(ATM):c.699A>G (p.Leu233=)

Gene: ATM (ATM serine/threonine kinase; plus strand). Cytogenetic location: 11q22.3.
Variant type: single nucleotide variant.
Coding change: c.699A>G on transcript NM_000051.4 (MANE Select); coding-DNA position 699, A replaced by G.
Protein change: p.Leu233=; no amino-acid change (leucine 233 retained).
Molecular consequence: synonymous variant.
Genome position (GRCh38, 1-based): chr11:108,244,824, A>G. VCF-style: chr11-108244824-A-G. GRCh37 (hg19) VCF-style: chr11-108115551-A-G.
Other names: c.699A>G, p.Leu233= (NM_001351834.2).
Identifiers: ClinVar variation 453654 (VCV000453654.11), dbSNP rs1555067006, ClinGen allele CA476744635.